The following is an entry in ClinVar:

NM_015132.5(SNX13):c.2817G>A (p.Met939Ile)

Gene: SNX13 (sorting nexin 13; minus strand). Cytogenetic location: 7p21.1.
Variant type: single nucleotide variant.
Coding change: c.2817G>A on transcript NM_015132.5 (MANE Select); coding-DNA position 2817, G replaced by A.
Protein change: p.Met939Ile; replaces methionine 939 with isoleucine.
Molecular consequence: missense variant. On other transcripts: non-coding transcript variant (2).
Genome position (GRCh38, 1-based): chr7:17,794,102, C>T on the plus strand (G>A on the coding strand, the complement: SNX13 is on the minus strand). VCF-style: chr7-17794102-C-T. GRCh37 (hg19) VCF-style: chr7-17833726-C-T.
Other names: c.2850G>A, p.Met950Ile (NM_001350862.2); c.2577G>A, p.Met859Ile (NM_001350863.2); c.2511G>A, p.Met837Ile (NM_001350864.2, NM_001350865.1); c.2208G>A, p.Met736Ile (NM_001350866.2, NM_001350867.2); short protein forms M736I, M837I, M859I, M939I, M950I.
Identifiers: ClinVar variation 2300526 (VCV002300526.3), dbSNP rs745798626, ClinGen allele CA4172357.

ClinVar aggregate classification (germline): Uncertain significance (1 of 4 stars; one submission).

Allele frequency attached by ClinVar (database versions not stated): gnomAD 0.00001; gnomAD exomes 0.00002; TOPMed 0.00002; ExAC 0.00003.
gnomAD v4.1: 29 of 1,611,512 alleles (0.0018%); highest among the groups gnomAD compares: East Asian, 0.0022%; no homozygotes.

Submission:

Ambry Genetics
Classification: Uncertain significance. Last evaluated: 2026-03-17. Review status: criteria provided, single submitter. Criteria: Ambry Variant Classification Scheme 2023. Collection method: clinical testing. Allele origin: germline.
Comment: The c.2817G>A (p.M939I) alteration is located in exon 26 (coding exon 26) of the SNX13 gene. This alteration results from a G to A substitution at nucleotide position 2817, causing the methionine (M) at amino acid position 939 to be replaced by an isoleucine (I). Based on data from gnomAD, the A allele has an overall frequency of 0.003% (7/247672) total alleles studied. The highest observed frequency was 0.05% (5/10014) of Ashkenazi Jewish alleles. Based on insufficient or conflicting evidence, the clinical significance of this alteration remains unclear.